The following is an entry in ClinVar:

ClinVar aggregate classification (germline): Uncertain significance (1 of 4 stars; one submission).

Conditions:
Gorlin syndrome. Also called: Nevoid Basal Cell Carcinoma Syndrome; Basal cell nevus syndrome. Identifiers: Orphanet 377, MedGen C0004779, MONDO:0007187.

Submission:

Labcorp Genetics (formerly Invitae), Labcorp
Classification: Uncertain significance for Gorlin syndrome. Last evaluated: 2021-10-21. Review status: criteria provided, single submitter. Criteria: Invitae Variant Classification Sherloc (09022015). Collection method: clinical testing. Allele origin: germline.
Comment: This variant has not been reported in the literature in individuals affected with PTCH1-related conditions. This variant is not present in population databases (ExAC no frequency). This sequence change replaces threonine with serine at codon 696 of the PTCH1 protein (p.Thr696Ser). The threonine residue is weakly conserved and there is a small physicochemical difference between threonine and serine. Advanced modeling of protein sequence and biophysical properties (such as structural, functional, and spatial information, amino acid conservation, physicochemical variation, residue mobility, and thermodynamic stability) performed at Invitae indicates that this missense variant is not expected to disrupt PTCH1 protein function. In summary, the available evidence is currently insufficient to determine the role of this variant in disease. Therefore, it has been classified as a Variant of Uncertain Significance.

NM_000264.5(PTCH1):c.2086A>T (p.Thr696Ser)

Genes: PTCH1 (patched 1; minus strand), LOC100507346 (uncharacterized LOC100507346; plus strand). Cytogenetic location: 9q22.32.
Variant type: single nucleotide variant.
Coding change: c.2086A>T on transcript NM_000264.5 (MANE Select); coding-DNA position 2086, A replaced by T.
Protein change: p.Thr696Ser; replaces threonine 696 with serine.
Molecular consequence: missense variant. On other transcripts: non-coding transcript variant (2).
Genome position (GRCh38, 1-based): chr9:95,468,915, T>A on the plus strand (A>T on the coding strand, the complement: PTCH1 is on the minus strand). VCF-style: chr9-95468915-T-A. GRCh37 (hg19) VCF-style: chr9-98231197-T-A.
Other names: c.1888A>T, p.Thr630Ser (NM_001083602.3); c.2083A>T, p.Thr695Ser (NM_001083603.3); c.1633A>T, p.Thr545Ser (NM_001083604.3, NM_001083605.3, NM_001083606.3 and 1 more transcripts); c.1930A>T, p.Thr644Ser (NM_001354918.2); short protein forms T545S, T695S, T644S, T696S, T630S.
Identifiers: ClinVar variation 1387659 (VCV001387659.6), dbSNP rs1588574496, ClinGen allele CA374115687.